The following is an entry in ClinVar:

NM_152564.5(VPS13B):c.10664T>C (p.Val3555Ala)

Gene: VPS13B (vacuolar protein sorting 13 homolog B; plus strand). Cytogenetic location: 8q22.2.
Variant type: single nucleotide variant.
Coding change: c.10664T>C on transcript NM_152564.5 (MANE Select); coding-DNA position 10664, T replaced by C.
Protein change: p.Val3555Ala; replaces valine 3555 with alanine.
Molecular consequence: missense variant.
Genome position (GRCh38, 1-based): chr8:99,854,053, T>C. VCF-style: chr8-99854053-T-C. GRCh37 (hg19) VCF-style: chr8-100866281-T-C.
Other names: c.10739T>C, p.Val3580Ala (NM_017890.5); short protein forms V3555A, V3580A.
Identifiers: ClinVar variation 1351414 (VCV001351414.6), dbSNP rs2130918209, ClinGen allele CA371785070.

ClinVar aggregate classification (germline): Uncertain significance (1 of 4 stars; one submission).

Conditions:
Cohen syndrome (COH1). Also called: Cutis verticis gyrata, retinitis pigmentosa, and sensorineural deafness; PEPPER SYNDROME. Identifiers: Orphanet 193, MedGen C0265223, MONDO:0008999, OMIM 216550.

Submission:

Labcorp Genetics (formerly Invitae), Labcorp
Classification: Uncertain significance for Cohen syndrome. Last evaluated: 2021-11-13. Review status: criteria provided, single submitter. Criteria: Invitae Variant Classification Sherloc (09022015). Collection method: clinical testing. Allele origin: germline.
Comment: This sequence change replaces valine, which is neutral and non-polar, with alanine, which is neutral and non-polar, at codon 3580 of the VPS13B protein (p.Val3580Ala). This variant is not present in population databases (gnomAD no frequency). This variant has not been reported in the literature in individuals affected with VPS13B-related conditions. Algorithms developed to predict the effect of missense changes on protein structure and function output the following: SIFT: "Not Available"; PolyPhen-2: "Benign"; Align-GVGD: "Not Available". The alanine amino acid residue is found in multiple mammalian species, which suggests that this missense change does not adversely affect protein function. In summary, the available evidence is currently insufficient to determine the role of this variant in disease. Therefore, it has been classified as a Variant of Uncertain Significance.